The following is an entry in ClinVar:

NM_206933.4(USH2A):c.10561T>A (p.Trp3521Arg)

Gene: USH2A (usherin; minus strand). Cytogenetic location: 1q41.
Variant type: single nucleotide variant.
Coding change: c.10561T>A on transcript NM_206933.4 (MANE Select); coding-DNA position 10561, T replaced by A.
Protein change: p.Trp3521Arg; replaces tryptophan 3521 with arginine.
Molecular consequence: missense variant.
Genome position (GRCh38, 1-based): chr1:215,782,762, A>T on the plus strand (T>A on the coding strand, the complement: USH2A is on the minus strand). VCF-style: chr1-215782762-A-T. GRCh37 (hg19) VCF-style: chr1-215956104-A-T.
Other names: short protein forms W3521R.
Identifiers: ClinVar variation 1376832 (VCV001376832.8), dbSNP rs111033264, ClinGen allele CA344837377.
Genomic context (GRCh38, chr1:215,782,762, plus strand): 5'-GATTTTGTTATTTGTATTTTAAAGGTATCTCAATACCATTTGATTGTATAGGTTTTCTCC[A>T]GTTTAAGACAATTGTATCTTCAAGATTGTCTATTTTGGTCCACGTAGGGGGACTCACTCC-3'
Protein context (NP_996816.3, residues 3511-3531): DNLEDTIVLN[Trp3521Arg]RKPIQSNGPI

ClinVar aggregate classification (germline): Pathogenic (1 of 4 stars; one submission).

Submission:

Labcorp Genetics (formerly Invitae), Labcorp
Classification: Pathogenic. Last evaluated: 2020-11-21. Review status: criteria provided, single submitter. Criteria: Invitae Variant Classification Sherloc (09022015). Collection method: clinical testing. Allele origin: germline.
Comment: This sequence change replaces tryptophan with arginine at codon 3521 of the USH2A protein (p.Trp3521Arg). The tryptophan residue is highly conserved and there is a moderate physicochemical difference between tryptophan and arginine. For these reasons, this variant has been classified as Pathogenic. Algorithms developed to predict the effect of sequence changes on RNA splicing suggest that this variant may create or strengthen a splice site, but this prediction has not been confirmed by published transcriptional studies. Algorithms developed to predict the effect of missense changes on protein structure and function are either unavailable or do not agree on the potential impact of this missense change (SIFT: "Deleterious"; PolyPhen-2: "Probably Damaging"; Align-GVGD: "Class C0"). This missense change has been observed in individual(s) with Usher syndrome (PMID: 22135276, 28559085). It has also been observed to segregate with disease in related individuals. This variant is not present in population databases (ExAC no frequency).

Literature cited by the submitters: PubMed 22135276; PubMed 28559085.